The following is an entry in ClinVar:

NM_001197104.2(KMT2A):c.6142T>G (p.Phe2048Val)

Gene: KMT2A (lysine methyltransferase 2A; plus strand). Cytogenetic location: 11q23.3.
Variant type: single nucleotide variant.
Coding change: c.6142T>G on transcript NM_001197104.2 (MANE Select); coding-DNA position 6142, T replaced by G.
Protein change: p.Phe2048Val; replaces phenylalanine 2048 with valine.
Molecular consequence: missense variant.
Genome position (GRCh38, 1-based): chr11:118,499,897, T>G. VCF-style: chr11-118499897-T-G. GRCh37 (hg19) VCF-style: chr11-118370612-T-G.
Other names: c.6133T>G, p.Phe2045Val (NM_005933.4); short protein forms F2045V, F2048V.
Identifiers: ClinVar variation 873496 (VCV000873496.4), dbSNP rs1950472916, ClinGen allele CA382799970.
Genomic context (GRCh38, chr11:118,499,897, plus strand): 5'-TCTATGACAATCGACTGCTTAGGAATTCTAAATGATCTCTCCGACTGTGAAGATAAGCTC[T>G]TTCCTATTGGATATCAGTAAGTAGCACTATAAAGAGAAGAGAGCAGCCCCACAACCTGAA-3'
Protein context (NP_001184033.1, residues 2038-2058): NDLSDCEDKL[Phe2048Val]PIGYQCSRVY

ClinVar aggregate classification (germline): Uncertain significance (1 of 4 stars; one submission).

Conditions:
Wiedemann-Steiner syndrome (WDSTS). Also called: Growth deficiency and mental retardation with facial dysmorphism. Identifiers: Orphanet 319182, MedGen C1854630, MONDO:0011518, OMIM 605130.

Submission:

Illumina Laboratory Services, Illumina
Classification: Uncertain significance for Wiedemann-Steiner syndrome. Last evaluated: 2020-01-22. Review status: criteria provided, single submitter. Criteria: ICSLVariantClassificationCriteria RUGD 01 April 2020. Collection method: clinical testing. Allele origin: unknown.
Comment: The KMT2A c.6142T>G (p.Phe2048Val) variant is a missense variant. A literature search was performed for the gene, cDNA change, and amino acid change. No publications were found based on this search. This variant is not found in the Genome Aggregation Database in a region of good sequence coverage, so the variant is presumed to be rare. Based on the limited evidence, the p.Phe2048Val variant is classified as a variant of unknown significance for Wiedemann-Steiner syndrome.